The following is an entry in ClinVar:

ClinVar aggregate classification (germline): Uncertain significance. Review status: criteria provided, multiple submitters, no conflicts (2 of 4 stars). 3 submissions from 3 submitters: Uncertain significance (3). Last evaluated 2025-10-27.

Conditions:
Hereditary cancer-predisposing syndrome. Also called: Neoplastic Syndromes, Hereditary; Tumor predisposition; Hereditary Cancer Syndrome; Hereditary neoplastic syndrome. Identifiers: Orphanet 140162, MedGen C0027672, MeSH D009386, MONDO:0015356.
Breast-ovarian cancer, familial, susceptibility to, 4. Identifiers: Orphanet 145, MedGen C3280345, MONDO:0013669, OMIM 614291.

Allele frequency attached by ClinVar (database versions not stated): gnomAD 0.00003.

Submissions (3):

Labcorp Genetics (formerly Invitae), Labcorp
Classification: Uncertain significance for Breast-ovarian cancer, familial, susceptibility to, 4. Last evaluated: 2025-10-27. Review status: criteria provided, single submitter. Criteria: Invitae Variant Classification Sherloc (09022015). Collection method: clinical testing. Allele origin: germline.
Comment: This sequence change replaces tryptophan, which is neutral and slightly polar, with arginine, which is basic and polar, at codon 314 of the RAD51D protein (p.Trp314Arg). This variant is present in population databases (rs587781878, gnomAD 0.007%). This variant has not been reported in the literature in individuals affected with RAD51D-related conditions. ClinVar contains an entry for this variant (Variation ID: 141612). An algorithm developed to predict the effect of missense changes on protein structure and function (PolyPhen-2) suggests that this variant is likely to be disruptive. In summary, the available evidence is currently insufficient to determine the role of this variant in disease. Therefore, it has been classified as a Variant of Uncertain Significance.

Ambry Genetics
Classification: Uncertain significance for Hereditary cancer-predisposing syndrome. Last evaluated: 2025-10-23. Review status: criteria provided, single submitter. Criteria: Ambry Variant Classification Scheme 2023. Collection method: clinical testing. Allele origin: germline.
Comment: The p.W314R variant (also known as c.940T>C), located in coding exon 10 of the RAD51D gene, results from a T to C substitution at nucleotide position 940. The tryptophan at codon 314 is replaced by arginine, an amino acid with dissimilar properties. This amino acid position is not well conserved in available vertebrate species. In addition, this alteration is predicted to be tolerated by in silico analysis. Since supporting evidence is limited at this time, the clinical significance of this alteration remains unclear.

Color Diagnostics, LLC DBA Color Health
Classification: Uncertain significance for Hereditary cancer-predisposing syndrome. Last evaluated: 2023-12-04. Review status: criteria provided, single submitter. Criteria: ACMG Guidelines, 2015. Collection method: clinical testing. Allele origin: germline.
Comment: This missense variant replaces tryptophan with arginine at codon 314 of the RAD51D protein. Computational prediction suggests that this variant may not impact protein structure and function (internally defined REVEL score threshold <= 0.5, PMID: 27666373). To our knowledge, functional studies have not been reported for this variant. This variant has not been reported in individuals affected with RAD51D-related disorders in the literature. This variant has been identified in 1/31406 chromosomes in the general population by the Genome Aggregation Database (gnomAD). The available evidence is insufficient to determine the role of this variant in disease conclusively. Therefore, this variant is classified as a Variant of Uncertain Significance.

NM_002878.4(RAD51D):c.940T>C (p.Trp314Arg)

Genes: RAD51D (RAD51 paralog D; minus strand), RAD51L3-RFFL (RAD51L3-RFFL readthrough; minus strand). Cytogenetic location: 17q12.
Variant type: single nucleotide variant.
Coding change: c.940T>C on transcript NM_002878.4 (MANE Select); coding-DNA position 940, T replaced by C.
Protein change: p.Trp314Arg; replaces tryptophan 314 with arginine.
Molecular consequence: missense variant. On other transcripts: non-coding transcript variant (2).
Genome position (GRCh38, 1-based): chr17:35,101,000, A>G on the plus strand (T>C on the coding strand, the complement: RAD51D is on the minus strand). VCF-style: chr17-35101000-A-G. GRCh37 (hg19) VCF-style: chr17-33428019-A-G.
Other names: c.1000T>C, p.Trp334Arg (NM_001142571.2); c.604T>C, p.Trp202Arg (NM_133629.3); short protein forms W314R, W202R, W334R.
Identifiers: ClinVar variation 141612 (VCV000141612.14), dbSNP rs587781878, ClinGen allele CA165938.